The following is an entry in ClinVar:

ClinVar aggregate classification (germline): Uncertain significance (1 of 4 stars; one submission).

Submission:

Labcorp Genetics (formerly Invitae), Labcorp
Classification: Uncertain significance. Last evaluated: 2024-02-24. Review status: criteria provided, single submitter. Criteria: Invitae Variant Classification Sherloc (09022015). Collection method: clinical testing. Allele origin: germline.
Comment: This sequence change replaces arginine, which is basic and polar, with leucine, which is neutral and non-polar, at codon 1963 of the ABCA4 protein (p.Arg1963Leu). This variant is not present in population databases (gnomAD no frequency). This variant has not been reported in the literature in individuals affected with ABCA4-related conditions. ClinVar contains an entry for this variant (Variation ID: 1380916). Advanced modeling of protein sequence and biophysical properties (such as structural, functional, and spatial information, amino acid conservation, physicochemical variation, residue mobility, and thermodynamic stability) performed at Invitae indicates that this missense variant is expected to disrupt ABCA4 protein function with a positive predictive value of 95%. In summary, the available evidence is currently insufficient to determine the role of this variant in disease. Therefore, it has been classified as a Variant of Uncertain Significance.

NM_000350.3(ABCA4):c.5888G>T (p.Arg1963Leu)

Gene: ABCA4 (ATP binding cassette subfamily A member 4; minus strand). Cytogenetic location: 1p22.1.
Variant type: single nucleotide variant.
Coding change: c.5888G>T on transcript NM_000350.3 (MANE Select); coding-DNA position 5888, G replaced by T.
Protein change: p.Arg1963Leu; replaces arginine 1963 with leucine.
Molecular consequence: missense variant.
Genome position (GRCh38, 1-based): chr1:94,008,245, C>A on the plus strand (G>T on the coding strand, the complement: ABCA4 is on the minus strand). VCF-style: chr1-94008245-C-A. GRCh37 (hg19) VCF-style: chr1-94473801-C-A.
Other names: c.5666G>T, p.Arg1889Leu (NM_001425324.1); short protein forms R1963L, R1889L.
Identifiers: ClinVar variation 1380916 (VCV001380916.5), dbSNP rs758431657, ClinGen allele CA341279838.